The following is an entry in ClinVar:

NM_001288767.2(ARMC5):c.145G>A (p.Asp49Asn)

Gene: ARMC5 (armadillo repeat containing 5; plus strand). Cytogenetic location: 16p11.2.
Variant type: single nucleotide variant.
Coding change: c.145G>A on transcript NM_001288767.2; coding-DNA position 145, G replaced by A.
Protein change: p.Asp49Asn; replaces aspartic acid 49 with asparagine.
Molecular consequence: missense variant. On other transcripts: 5 prime UTR variant (1).
Genome position (GRCh38, 1-based): chr16:31,458,893, G>A. VCF-style: chr16-31458893-G-A. GRCh37 (hg19) VCF-style: chr16-31470214-G-A.
Other names: c.-409G>A (NM_001301820.1); short protein forms D49N.
Identifiers: ClinVar variation 4979113 (VCV004979113.1).
Genomic context (GRCh38, chr16:31,458,893, plus strand): 5'-GAAGAACTCCCCGTTTCCTAGATGCCAGCTCCTGAGCTCACGAGCACGTCCAGAGCGGAG[G>A]ACACTCGGGACACCGGGGTCCAGCTCCGGAAACGGAAAATTCCACAAGCCCGTCACTCTA-3'

ClinVar aggregate classification (germline): Uncertain significance (1 of 4 stars; one submission).

Conditions:
ARMC5-related disorder. Also called: ARMC5-related condition.

gnomAD v4.1: 32 of 1,535,660 alleles (0.0021%); highest among the groups gnomAD compares: African/African-American, 0.041%; no homozygotes.

Submission:

PreventionGenetics, part of Exact Sciences
Classification: Uncertain significance for ARMC5-related condition. Last evaluated: 2024-12-18. Review status: criteria provided, single submitter. Criteria: ACMG Guidelines, 2015. Collection method: clinical testing. Allele origin: germline.
Comment: The ARMC5 c.145G>A variant is predicted to result in the amino acid substitution p.Asp49Asn. On an alternate transcript (NM_001105247), this variant is referred to as c.-632G>A (Pre-Coding). To our knowledge, this variant has not been reported in the literature. This variant is reported in 0.041% of alleles in individuals of African descent in gnomAD, which may be too common to be a primary cause of disease. Although we suspect this variant may be benign, at this time, the clinical significance of this variant is uncertain due to the absence of conclusive functional and genetic evidence.